The following is an entry in ClinVar:

NM_006231.4(POLE):c.5828C>T (p.Ala1943Val)

Gene: POLE (DNA polymerase epsilon, catalytic subunit; minus strand). Cytogenetic location: 12q24.33.
Variant type: single nucleotide variant.
Coding change: c.5828C>T on transcript NM_006231.4 (MANE Select); coding-DNA position 5828, C replaced by T.
Protein change: p.Ala1943Val; replaces alanine 1943 with valine.
Molecular consequence: missense variant.
Genome position (GRCh38, 1-based): chr12:132,634,362, G>A on the plus strand (C>T on the coding strand, the complement: POLE is on the minus strand). VCF-style: chr12-132634362-G-A. GRCh37 (hg19) VCF-style: chr12-133210948-G-A.
Other names: short protein forms A1943V.
Identifiers: ClinVar variation 2719761 (VCV002719761.3), dbSNP rs2138475618, ClinGen allele CA387371866.

ClinVar aggregate classification (germline): Uncertain significance (1 of 4 stars; one submission).

Submission:

Labcorp Genetics (formerly Invitae), Labcorp
Classification: Uncertain significance. Last evaluated: 2024-01-24. Review status: criteria provided, single submitter. Criteria: Invitae Variant Classification Sherloc (09022015). Collection method: clinical testing. Allele origin: germline.
Comment: This sequence change replaces alanine, which is neutral and non-polar, with valine, which is neutral and non-polar, at codon 1943 of the POLE protein (p.Ala1943Val). This variant is not present in population databases (gnomAD no frequency). This variant has not been reported in the literature in individuals affected with POLE-related conditions. Algorithms developed to predict the effect of missense changes on protein structure and function output the following: SIFT: "Not Available"; PolyPhen-2: "Benign"; Align-GVGD: "Not Available". The valine amino acid residue is found in multiple mammalian species, which suggests that this missense change does not adversely affect protein function. In summary, the available evidence is currently insufficient to determine the role of this variant in disease. Therefore, it has been classified as a Variant of Uncertain Significance.